The following is an entry in ClinVar:

NM_001376.5(DYNC1H1):c.4729G>A (p.Ala1577Thr)

Gene: DYNC1H1 (dynein cytoplasmic 1 heavy chain 1; plus strand). Cytogenetic location: 14q32.31.
Variant type: single nucleotide variant.
Coding change: c.4729G>A on transcript NM_001376.5 (MANE Select); coding-DNA position 4729, G replaced by A.
Protein change: p.Ala1577Thr; replaces alanine 1577 with threonine.
Molecular consequence: missense variant.
Genome position (GRCh38, 1-based): chr14:102,002,811, G>A. VCF-style: chr14-102002811-G-A. GRCh37 (hg19) VCF-style: chr14-102469148-G-A.
Other names: short protein forms A1577T.
Identifiers: ClinVar variation 4884853 (VCV004884853.1).

ClinVar aggregate classification (germline): Uncertain significance (0 of 4 stars; one submission).

Conditions:
Autosomal dominant childhood-onset proximal spinal muscular atrophy without contractures. Also called: SPINAL MUSCULAR ATROPHY, CHILDHOOD, PROXIMAL, AUTOSOMAL DOMINANT; Spinal muscular atrophy, lower extremity-predominant 1, AD; KUGELBERG-WELANDER SYNDROME, AUTOSOMAL DOMINANT; SPINAL MUSCULAR ATROPHY, JUVENILE, PROXIMAL, AUTOSOMAL DOMINANT. Identifiers: Orphanet 209341, Orphanet 363447, MedGen C5780022, MONDO:0008026, OMIM 158600.

gnomAD v4.1: 20 of 1,614,092 alleles (0.0012%); highest among the groups gnomAD compares: South Asian, 0.022%; no homozygotes.

Submission:

Hong-Tao Li Lab, Institute of Brain Science and Brain-inspired Research, Shandong First Medical University & Shandong Academy of Medical Sciences China
Classification: Uncertain significance for Autosomal dominant childhood-onset proximal spinal muscular atrophy without contractures. Review status: no assertion criteria provided. Collection method: research. Allele origin: germline. Inheritance: Autosomal dominant inheritance. Affected: yes. Observed: 1 variant allele, 1 heterozygote.
Comment: Observed in affected individuals from a Pakistani neurodevelopmental-disorder research cohort of 263 individuals. Classification assigned using the ACMG/AMP framework. Population-frequency evidence: gnomAD AF 1.591e-05.